The following is an entry in ClinVar:

NM_021922.3(FANCE):c.956G>A (p.Cys319Tyr)

Gene: FANCE (FA complementation group E; plus strand). Cytogenetic location: 6p21.31.
Variant type: single nucleotide variant.
Coding change: c.956G>A on transcript NM_021922.3 (MANE Select); coding-DNA position 956, G replaced by A.
Protein change: p.Cys319Tyr; replaces cysteine 319 with tyrosine.
Molecular consequence: missense variant.
Genome position (GRCh38, 1-based): chr6:35,457,971, G>A. VCF-style: chr6-35457971-G-A. GRCh37 (hg19) VCF-style: chr6-35425748-G-A.
Other names: short protein forms C319Y.
Identifiers: ClinVar variation 1450721 (VCV001450721.5), dbSNP rs1440691539, ClinGen allele CA363774982.

ClinVar aggregate classification (germline): Uncertain significance (1 of 4 stars; one submission).

Conditions:
Fanconi anemia complementation group E (FANCE). Also called: FANCE-Related Fanconi Anemia. Identifiers: Orphanet 84, MedGen C3160739, MONDO:0010953, OMIM 600901.

Allele frequency attached by ClinVar (database versions not stated): gnomAD exomes below 0.00001; TOPMed 0.00001.

Submission:

Labcorp Genetics (formerly Invitae), Labcorp
Classification: Uncertain significance for Fanconi anemia complementation group E. Last evaluated: 2021-08-26. Review status: criteria provided, single submitter. Criteria: Invitae Variant Classification Sherloc (09022015). Collection method: clinical testing. Allele origin: germline.
Comment: This sequence change replaces cysteine with tyrosine at codon 319 of the FANCE protein (p.Cys319Tyr). The cysteine residue is highly conserved and there is a large physicochemical difference between cysteine and tyrosine. This variant is not present in population databases (ExAC no frequency). This variant has not been reported in the literature in individuals affected with FANCE-related conditions. Algorithms developed to predict the effect of missense changes on protein structure and function are either unavailable or do not agree on the potential impact of this missense change (SIFT: "Deleterious"; PolyPhen-2: "Probably Damaging"; Align-GVGD: "Class C0"). In summary, the available evidence is currently insufficient to determine the role of this variant in disease. Therefore, it has been classified as a Variant of Uncertain Significance.